The following is an entry in ClinVar:

ClinVar aggregate classification (germline): Uncertain significance (1 of 4 stars; one submission).

Submission:

Labcorp Genetics (formerly Invitae), Labcorp
Classification: Uncertain significance. Last evaluated: 2024-08-30. Review status: criteria provided, single submitter. Criteria: Invitae Variant Classification Sherloc (09022015). Collection method: clinical testing. Allele origin: germline.
Comment: This sequence change creates a premature translational stop signal (p.Arg118Hisfs*38) in the RP1L1 gene. It is expected to result in an absent or disrupted protein product. However, the current clinical and genetic evidence is not sufficient to establish whether loss-of-function variants in RP1L1 cause disease. This variant is not present in population databases (gnomAD no frequency). This variant has not been reported in the literature in individuals affected with RP1L1-related conditions. In summary, the available evidence is currently insufficient to determine the role of this variant in disease. Therefore, it has been classified as a Variant of Uncertain Significance.

NM_178857.6(RP1L1):c.353_356del (p.Arg118fs)

Gene: RP1L1 (RP1 like 1). Cytogenetic location: 8p23.1.
Variant type: Microsatellite.
Coding change: c.353_356del on transcript NM_178857.6 (MANE Select); coding-DNA positions 353 to 356, 4 bases deleted.
Protein change: p.Arg118fs; shifts the reading frame from arginine 118.
Molecular consequence: frameshift variant.
Genome position: GRCh38 VCF-style: chr8-10622845-TGGCC-T. GRCh37 (hg19) VCF-style: chr8-10480355-TGGCC-T.
Other names: short protein forms R118fs.
Identifiers: ClinVar variation 2872913 (VCV002872913.3), dbSNP rs2486318638, ClinGen allele CA2579091972.
Genomic context (GRCh38, chr8:10,622,845, plus strand): 5'-TGGGGCTTCACGCTGGCCTTCGACATCCCGCAACTGCTGAGCAGTGGGGTTTCTCTCCTG[TGGCC>T]GGCCTGGTCCACTGGGGGTCTTGGGGGGCTTCTTATCAGAGCAGAGGTAGCAGCCTCCAT-3'